The following is an entry in ClinVar:

NM_004341.5(CAD):c.6436C>G (p.Arg2146Gly)

Genes: CAD (carbamoyl-phosphate synthetase 2, aspartate transcarbamylase, and dihydroorotase; plus strand), LOC126806172 (CDK7 strongly-dependent group 2 enhancer GRCh37_chr2:27465505-27466704; plus strand). Cytogenetic location: 2p23.3.
Variant type: single nucleotide variant.
Coding change: c.6436C>G on transcript NM_004341.5 (MANE Select); coding-DNA position 6436, C replaced by G.
Protein change: p.Arg2146Gly; replaces arginine 2146 with glycine.
Molecular consequence: missense variant.
Genome position (GRCh38, 1-based): chr2:27,242,929, C>G. VCF-style: chr2-27242929-C-G. GRCh37 (hg19) VCF-style: chr2-27465797-C-G.
Other names: c.6247C>G, p.Arg2083Gly (NM_001306079.2); short protein forms R2083G, R2146G.
Identifiers: ClinVar variation 1878600 (VCV001878600.1), dbSNP rs745396460, ClinGen allele CA1574209.

ClinVar aggregate classification (germline): Uncertain significance (1 of 4 stars; one submission).

Conditions:
Developmental and epileptic encephalopathy, 50 (DEE50). Also called: Epileptic encephalopathy, early infantile, 50. Identifiers: Orphanet 448010, MedGen C4225320, MONDO:0014647, OMIM 616457.

Allele frequency attached by ClinVar (database versions not stated): gnomAD exomes below 0.00001; ExAC 0.00001.
gnomAD v4.1: 3 of 1,610,224 alleles (0.00019%); highest among the groups gnomAD compares: East Asian, 0.0022%; no homozygotes.

Submission:

Neuberg Centre For Genomic Medicine, NCGM
Classification: Uncertain significance for Developmental and epileptic encephalopathy, 50. Review status: criteria provided, single submitter. Criteria: ACMG Guidelines, 2015. Collection method: clinical testing. Allele origin: germline. Affected: yes.
Comment: The missense variant in c.6436C>G(p.Arg2146Gly) in CAD gene has not been reported previously as a pathogenic variant nor as a benign variant, to our knowledge. The p.Arg2146Gly variant is novel (not in any individuals) in 1000 Genomes and allele frequency of 0.0003991% is reported in gnomAD. The amino acid Arg at position 2146 is changed to a Gly changing protein sequence and it might alter its composition and physico-chemical properties. The variant is predicted to be damaging by both SIFT and PolyPhen2. The residue is conserved across species. The amino acid change p.Arg2146Gly in CAD is predicted as conserved by GERP++ and PhyloP across 100 vertebrates. For these reasons, this variant has been classified as Uncertain Significance.